The following is an entry in ClinVar:

NM_003680.4(YARS1):c.416T>C (p.Val139Ala)

Gene: YARS1 (tyrosyl-tRNA synthetase 1; minus strand). Cytogenetic location: 1p35.1.
Variant type: single nucleotide variant.
Coding change: c.416T>C on transcript NM_003680.4 (MANE Select); coding-DNA position 416, T replaced by C.
Protein change: p.Val139Ala; replaces valine 139 with alanine.
Molecular consequence: missense variant.
Genome position (GRCh38, 1-based): chr1:32,806,576, A>G on the plus strand (T>C on the coding strand, the complement: YARS1 is on the minus strand). VCF-style: chr1-32806576-A-G. GRCh37 (hg19) VCF-style: chr1-33272177-A-G.
Other names: short protein forms V139A.
Identifiers: ClinVar variation 2123437 (VCV002123437.4), dbSNP rs2523426752, ClinGen allele CA339686901.

ClinVar aggregate classification (germline): Uncertain significance (1 of 4 stars; one submission).

Conditions:
Charcot-Marie-Tooth disease dominant intermediate C (CMTDIC). Also called: CHARCOT-MARIE-TOOTH NEUROPATHY, DOMINANT INTERMEDIATE C. Identifiers: Orphanet 100045, MedGen C1842237, MONDO:0012012, OMIM 608323.

Submission:

Labcorp Genetics (formerly Invitae), Labcorp
Classification: Uncertain significance for Charcot-Marie-Tooth disease dominant intermediate C. Last evaluated: 2022-05-18. Review status: criteria provided, single submitter. Criteria: Invitae Variant Classification Sherloc (09022015). Collection method: clinical testing. Allele origin: germline.
Comment: In summary, the available evidence is currently insufficient to determine the role of this variant in disease. Therefore, it has been classified as a Variant of Uncertain Significance. Algorithms developed to predict the effect of missense changes on protein structure and function are either unavailable or do not agree on the potential impact of this missense change (SIFT: "Not Available"; PolyPhen-2: "Benign"; Align-GVGD: "Not Available"). This variant has not been reported in the literature in individuals affected with YARS-related conditions. This variant is not present in population databases (gnomAD no frequency). This sequence change replaces valine, which is neutral and non-polar, with alanine, which is neutral and non-polar, at codon 139 of the YARS protein (p.Val139Ala).